The following is an entry in ClinVar:

NM_000443.4(ABCB4):c.3326G>A (p.Arg1109Lys)

Gene: ABCB4 (ATP binding cassette subfamily B member 4; minus strand). Cytogenetic location: 7q21.12.
Variant type: single nucleotide variant.
Coding change: c.3326G>A on transcript NM_000443.4 (MANE Select); coding-DNA position 3326, G replaced by A.
Protein change: p.Arg1109Lys; replaces arginine 1109 with lysine.
Molecular consequence: missense variant.
Genome position (GRCh38, 1-based): chr7:87,406,448, C>T on the plus strand (G>A on the coding strand, the complement: ABCB4 is on the minus strand). VCF-style: chr7-87406448-C-T. GRCh37 (hg19) VCF-style: chr7-87035764-C-T.
Other names: c.3347G>A, p.Arg1116Lys (NM_018849.3); c.3185G>A, p.Arg1062Lys (NM_018850.3); short protein forms R1109K, R1116K, R1062K.
Identifiers: ClinVar variation 502057 (VCV000502057.10), dbSNP rs757931203, ClinGen allele CA4326789.
Genomic context (GRCh38, chr7:87,406,448, plus strand): 5'-TTCTCGGCAATGCTGCAGTCAAATAGGATAGGCTCCTGAGACACGATTCCGAGTTGAGCT[C>T]TGAGCCACTGGACATTGAGTTTCTTTGCTTCTTGACCATCGAGAAGCTGAAAACCAAAGT-3'
Protein context (NP_000434.1, residues 1099-1119): EAKKLNVQWL[Arg1109Lys]AQLGIVSQEP

ClinVar aggregate classification (germline): Conflicting classifications of pathogenicity. Review status: criteria provided, conflicting classifications (1 of 4 stars). 5 submissions from 5 submitters: Likely pathogenic (1); Uncertain significance (4). Last evaluated 2026-04-21.

Conditions:
Low phospholipid associated cholelithiasis (GBD1). Also called: Gallstone cholecystitis; Gallbladder disease 1. Identifiers: Orphanet 69663, MedGen C2609268, MONDO:0010939, OMIM 600803.
Familial intrahepatic cholestasis. Identifiers: Orphanet 284385, MedGen CN296401, MONDO:0017290.
ABCB4-related disorder. Also called: ABCB4-related disorders; ABCB4-related condition.

Allele frequency attached by ClinVar (database versions not stated): gnomAD exomes below 0.00001; TOPMed below 0.00001; ExAC 0.00001; gnomAD 0.00001.
gnomAD v4.1: 4 of 1,613,818 alleles (0.00025%); highest among the groups gnomAD compares: Admixed American, 0.005%; no homozygotes.

Submissions (5):

PreventionGenetics, part of Exact Sciences
Classification: Uncertain significance for ABCB4-related condition. Last evaluated: 2026-04-21. Review status: criteria provided, single submitter. Criteria: ACMG Guidelines, 2015. Collection method: clinical testing. Allele origin: germline.
Comment: The ABCB4 c.3326G>A variant is predicted to result in the amino acid substitution p.Arg1109Lys. This variant was reported to be associated with parenteral nutrition-associated cholestasis in a cohort of preterm infants (Yang et al. 2022. PubMed ID: 35150476). This variant is reported in 0.0029% of alleles in individuals of Latino descent in gnomAD. At this time, the clinical significance of this variant is uncertain due to the absence of conclusive functional and genetic evidence.

Genomenon, Inc
Classification: Uncertain significance for Familial intrahepatic cholestasis; Low phospholipid associated cholelithiasis. Last evaluated: 2026-04-14. Review status: criteria provided, single submitter. Criteria: Genomenon Sequence Variant Interpretation Standards - Updated. Collection method: curation. Allele origin: germline. Affected: no.
Comment: ABCB4 p.Arg1109Lys (c.3326G>A) is a missense variant that changes the amino acid at residue 1109 from Arginine to Lysine. This variant has been reported in the published literature (PMID:35150476). It is absent or not present at a significant frequency in gnomAD. In silico models predict that this variant is possibly or probably damaging. In conclusion, we classify ABCB4 p.Arg1109Lys (c.3326G>A) as a variant of uncertain significance.

Labcorp Genetics (formerly Invitae), Labcorp
Classification: Uncertain significance. Last evaluated: 2025-02-15. Review status: criteria provided, single submitter. Criteria: Invitae Variant Classification Sherloc (09022015). Collection method: clinical testing. Allele origin: germline.
Comment: This sequence change replaces arginine, which is basic and polar, with lysine, which is basic and polar, at codon 1109 of the ABCB4 protein (p.Arg1109Lys). This variant is present in population databases (rs757931203, gnomAD 0.003%). This missense change has been observed in individual(s) with parenteral nutrition-associated cholestasis (PMID: 35150476). ClinVar contains an entry for this variant (Variation ID: 502057). Invitae Evidence Modeling of protein sequence and biophysical properties (such as structural, functional, and spatial information, amino acid conservation, physicochemical variation, residue mobility, and thermodynamic stability) indicates that this missense variant is expected to disrupt ABCB4 protein function with a positive predictive value of 80%. Studies have shown that this missense change alters ABCB4 gene expression (PMID: 35150476). In summary, the available evidence is currently insufficient to determine the role of this variant in disease. Therefore, it has been classified as a Variant of Uncertain Significance.

GeneDx
Classification: Likely pathogenic. Last evaluated: 2022-09-29. Review status: criteria provided, single submitter. Criteria: GeneDx Variant Classification Process June 2021. Collection method: clinical testing. Allele origin: germline. Affected: yes.
Comment: In silico analysis supports that this missense variant has a deleterious effect on protein structure/function; Not observed at significant frequency in large population cohorts (gnomAD); Reported in the heterozygous state in a cohort of infants with parenteral nutrition-associated cholestasis (PNAC) in a higher frequency compared to the non-PNAC cohort (Yang X et al., 2022); This variant is associated with the following publications: (PMID: 35150476)

Eurofins Ntd Llc (ga)
Classification: Uncertain significance. Last evaluated: 2017-05-19. Review status: criteria provided, single submitter. Criteria: EGL Classification Definitions 2015. Collection method: clinical testing. Allele origin: germline. Observed: 1 variant allele, 1 heterozygote.

Literature cited by the submitters: PubMed 35150476 (cited by Genomenon, Inc and Labcorp Genetics (formerly Invitae), Labcorp).